The following is an entry in ClinVar:

ClinVar aggregate classification (germline): Uncertain significance. Review status: criteria provided, multiple submitters, no conflicts (2 of 4 stars). 2 submissions from 2 submitters: Uncertain significance (2). Last evaluated 2026-02-03.

Conditions:
Hereditary cancer-predisposing syndrome. Also called: Neoplastic Syndromes, Hereditary; Tumor predisposition; Hereditary Cancer Syndrome; Hereditary neoplastic syndrome. Identifiers: Orphanet 140162, MedGen C0027672, MeSH D009386, MONDO:0015356.
Gastrointestinal stromal tumor. Also called: Gastrointestinal stromal tumor, somatic; Gastrointestinal stroma tumor. Identifiers: Orphanet 44890, MedGen C0238198, MeSH D046152, MONDO:0011719, OMIM 606764, HP:0100723.

Allele frequency attached by ClinVar (database versions not stated): TOPMed below 0.00001.

Submissions (2):

Labcorp Genetics (formerly Invitae), Labcorp
Classification: Uncertain significance for Gastrointestinal stromal tumor. Last evaluated: 2026-02-03. Review status: criteria provided, single submitter. Criteria: Invitae Variant Classification Sherloc (09022015). Collection method: clinical testing. Allele origin: germline.
Comment: This sequence change falls in intron 13 of the KIT gene. It does not directly change the encoded amino acid sequence of the KIT protein. It affects a nucleotide within the consensus splice site. This variant is not present in population databases (gnomAD no frequency). This variant has not been reported in the literature in individuals affected with KIT-related conditions. ClinVar contains an entry for this variant (Variation ID: 665686). Variants that disrupt the consensus splice site are a relatively common cause of aberrant splicing (PMID: 17576681, 9536098). Algorithms developed to predict the effect of sequence changes on RNA splicing suggest that this variant may disrupt the consensus splice site. In summary, the available evidence is currently insufficient to determine the role of this variant in disease. Therefore, it has been classified as a Variant of Uncertain Significance.

Ambry Genetics
Classification: Uncertain significance for Hereditary cancer-predisposing syndrome. Last evaluated: 2025-05-23. Review status: criteria provided, single submitter. Criteria: Ambry Variant Classification Scheme 2023. Collection method: clinical testing. Allele origin: germline.
Comment: The c.1990+4A>G intronic variant results from an A to G substitution 4 nucleotides after coding exon 13 in the KIT gene. This nucleotide position is not well conserved in available vertebrate species. In silico splice site analysis predicts that this alteration may weaken the native splice donor site and may result in the creation or strengthening of a novel splice donor site. Based on the available evidence, the clinical significance of this variant remains unclear.

Literature cited by the submitters: PubMed 17576681 (cited by Labcorp Genetics (formerly Invitae), Labcorp); PubMed 9536098 (cited by Labcorp Genetics (formerly Invitae), Labcorp).

NM_000222.3(KIT):c.1990+4A>G

Gene: KIT (KIT proto-oncogene, receptor tyrosine kinase; plus strand). Cytogenetic location: 4q12.
Variant type: single nucleotide variant.
Coding change: c.1990+4A>G on transcript NM_000222.3 (MANE Select); 4 bases into the intron after coding-DNA position 1990, A replaced by G.
Molecular consequence: intron variant.
Genome position (GRCh38, 1-based): chr4:54,728,125, A>G. VCF-style: chr4-54728125-A-G. GRCh37 (hg19) VCF-style: chr4-55594291-A-G.
Other names: c.1993+4A>G (NM_001385284.1, NM_001385290.1); c.1981+4A>G (NM_001385288.1, NM_001385292.1); c.1990+4A>G (NM_001385285.1); c.1978+4A>G (NM_001093772.2, NM_001385286.1).
Identifiers: ClinVar variation 665686 (VCV000665686.12), dbSNP rs1032874703, ClinGen allele CA96876178.